The following is an entry in ClinVar:

ClinVar aggregate classification (germline): Uncertain significance (1 of 4 stars; one submission).

Submission:

Labcorp Genetics (formerly Invitae), Labcorp
Classification: Uncertain significance. Last evaluated: 2025-02-10. Review status: criteria provided, single submitter. Criteria: Invitae Variant Classification Sherloc (09022015). Collection method: clinical testing. Allele origin: germline.
Comment: This sequence change replaces glutamic acid, which is acidic and polar, with lysine, which is basic and polar, at codon 174 of the OPA1 protein (p.Glu174Lys). This variant is not present in population databases (gnomAD no frequency). This variant has not been reported in the literature in individuals affected with OPA1-related conditions. ClinVar contains an entry for this variant (Variation ID: 1422949). Invitae Evidence Modeling of protein sequence and biophysical properties (such as structural, functional, and spatial information, amino acid conservation, physicochemical variation, residue mobility, and thermodynamic stability) indicates that this missense variant is not expected to disrupt OPA1 protein function with a negative predictive value of 80%. In summary, the available evidence is currently insufficient to determine the role of this variant in disease. Therefore, it has been classified as a Variant of Uncertain Significance.

NM_130837.3(OPA1):c.520G>A (p.Glu174Lys)

Gene: OPA1 (OPA1 mitochondrial dynamin like GTPase; plus strand). Cytogenetic location: 3q29.
Variant type: single nucleotide variant.
Coding change: c.520G>A on transcript NM_130837.3 (MANE Select); coding-DNA position 520, G replaced by A.
Protein change: p.Glu174Lys; replaces glutamic acid 174 with lysine.
Molecular consequence: missense variant. On other transcripts: intron variant (5).
Genome position (GRCh38, 1-based): chr3:193,617,249, G>A. VCF-style: chr3-193617249-G-A. GRCh37 (hg19) VCF-style: chr3-193335038-G-A.
Other names: c.76+1479G>A (NM_001354663.2); c.449-535G>A (NM_130835.3, NM_130832.3); c.448+1479G>A (NM_130833.3, NM_130831.3); c.148G>A, p.Glu50Lys (NM_001354664.2); c.520G>A, p.Glu174Lys (NM_015560.3, NM_130834.3, NM_130836.3); short protein forms E50K, E174K.
Identifiers: ClinVar variation 1422949 (VCV001422949.8), dbSNP rs2108878224, ClinGen allele CA355787695.